The following is an entry in ClinVar:

ClinVar aggregate classification (germline): Uncertain significance. Review status: criteria provided, multiple submitters, no conflicts (2 of 4 stars). 2 submissions from 2 submitters: Uncertain significance (2). Last evaluated 2023-09-26.

Conditions:
Inborn genetic diseases. Identifiers: MedGen C0950123, MeSH D030342.

Allele frequency attached by ClinVar (database versions not stated): gnomAD 0.00001; gnomAD exomes 0.00001; TOPMed 0.00001.
gnomAD v4.1: 13 of 1,613,546 alleles (0.00081%); highest among the groups gnomAD compares: East Asian, 0.0022%; no homozygotes.

Submissions (2):

Labcorp Genetics (formerly Invitae), Labcorp
Classification: Uncertain significance. Last evaluated: 2023-09-26. Review status: criteria provided, single submitter. Criteria: Invitae Variant Classification Sherloc (09022015). Collection method: clinical testing. Allele origin: germline.
Comment: An algorithm developed to predict the effect of missense changes on protein structure and function (PolyPhen-2) suggests that this variant is likely to be disruptive. In summary, the available evidence is currently insufficient to determine the role of this variant in disease. Therefore, it has been classified as a Variant of Uncertain Significance. ClinVar contains an entry for this variant (Variation ID: 2569782). This variant has not been reported in the literature in individuals affected with C6-related conditions. This variant is present in population databases (no rsID available, gnomAD 0.0008%). This sequence change replaces serine, which is neutral and polar, with proline, which is neutral and non-polar, at codon 442 of the C6 protein (p.Ser442Pro).

Ambry Genetics
Classification: Uncertain significance for Inborn genetic diseases. Last evaluated: 2023-04-27. Review status: criteria provided, single submitter. Criteria: Ambry Variant Classification Scheme 2023. Collection method: clinical testing. Allele origin: germline.

NM_000065.5(C6):c.1324T>C (p.Ser442Pro)

Gene: C6 (complement C6; minus strand). Cytogenetic location: 5p13.1.
Variant type: single nucleotide variant.
Coding change: c.1324T>C on transcript NM_000065.5 (MANE Select); coding-DNA position 1324, T replaced by C.
Protein change: p.Ser442Pro; replaces serine 442 with proline.
Molecular consequence: missense variant.
Genome position (GRCh38, 1-based): chr5:41,161,827, A>G on the plus strand (T>C on the coding strand, the complement: C6 is on the minus strand). VCF-style: chr5-41161827-A-G. GRCh37 (hg19) VCF-style: chr5-41161929-A-G.
Other names: c.1324T>C, p.Ser442Pro (NM_001115131.4); short protein forms S442P.
Identifiers: ClinVar variation 2569782 (VCV002569782.4), dbSNP rs1286347275, ClinGen allele CA359598371.